The following is an entry in ClinVar:

NM_001184785.2(PARD3):c.3537C>G (p.Pro1179=)

Gene: PARD3 (par-3 family cell polarity regulator; minus strand). Cytogenetic location: 10p11.22.
Variant type: single nucleotide variant.
Coding change: c.3537C>G on transcript NM_001184785.2 (MANE Select); coding-DNA position 3537, C replaced by G.
Protein change: p.Pro1179=; no amino-acid change (proline 1179 retained).
Molecular consequence: synonymous variant.
Genome position (GRCh38, 1-based): chr10:34,131,466, G>C on the plus strand (C>G on the coding strand, the complement: PARD3 is on the minus strand). VCF-style: chr10-34131466-G-C. GRCh37 (hg19) VCF-style: chr10-34420394-G-C.
Other names: c.3498C>G, p.Pro1166= (NM_001184786.2); c.3435C>G, p.Pro1145= (NM_001184787.2); c.3408C>G, p.Pro1136= (NM_001184788.2); c.3297C>G, p.Pro1099= (NM_001184789.2); c.3276C>G, p.Pro1092= (NM_001184790.2); c.3210C>G, p.Pro1070= (NM_001184791.2); c.3546C>G, p.Pro1182= (NM_019619.4).
Identifiers: ClinVar variation 3035501 (VCV003035501.2), dbSNP rs61735571, ClinGen allele CA5467255.

ClinVar aggregate classification (germline): Likely benign (0 of 4 stars; one submission).

Conditions:
PARD3-related disorder. Also called: PARD3-related condition.

Allele frequency attached by ClinVar (database versions not stated): ExAC 0.00025; 1000 Genomes Project 0.00060; 1000 Genomes Project 30x 0.00062; TOPMed 0.00109; ESP Exome Variant Server 0.00123.
gnomAD v4.1: 252 of 1,614,042 alleles (0.016%); highest among the groups gnomAD compares: African/African-American, 0.31%; no homozygotes.

Submission:

PreventionGenetics, part of Exact Sciences
Classification: Likely benign for PARD3-related condition. Last evaluated: 2019-08-09. Review status: no assertion criteria provided. Collection method: clinical testing. Allele origin: germline.
Comment: This variant is classified as likely benign based on ACMG/AMP sequence variant interpretation guidelines (Richards et al. 2015 PMID: 25741868, with internal and published modifications).